The following is an entry in ClinVar:

NM_001184.4(ATR):c.402T>A (p.Phe134Leu)

Gene: ATR (ATR checkpoint kinase; minus strand). Cytogenetic location: 3q23.
Variant type: single nucleotide variant.
Coding change: c.402T>A on transcript NM_001184.4 (MANE Select); coding-DNA position 402, T replaced by A.
Protein change: p.Phe134Leu; replaces phenylalanine 134 with leucine.
Molecular consequence: missense variant.
Genome position (GRCh38, 1-based): chr3:142,563,000, A>T on the plus strand (T>A on the coding strand, the complement: ATR is on the minus strand). VCF-style: chr3-142563000-A-T. GRCh37 (hg19) VCF-style: chr3-142281842-A-T.
Other names: c.402T>A, p.Phe134Leu (NM_001354579.2); short protein forms F134L.
Identifiers: ClinVar variation 1737192 (VCV001737192.6), dbSNP rs1003913240, ClinGen allele CA84756083.

ClinVar aggregate classification (germline): Uncertain significance. Review status: criteria provided, multiple submitters, no conflicts (2 of 4 stars). 2 submissions from 2 submitters: Uncertain significance (2). Last evaluated 2024-10-14.

Conditions:
Inborn genetic diseases. Identifiers: MedGen C0950123, MeSH D030342.

Allele frequency attached by ClinVar (database versions not stated): gnomAD exomes below 0.00001; TOPMed below 0.00001; gnomAD 0.00001.
gnomAD v4.1: 3 of 1,598,794 alleles (0.00019%); highest among the groups gnomAD compares: Non-Finnish European, 0.00026%; no homozygotes.

Submissions (2):

Ambry Genetics
Classification: Uncertain significance for Inborn genetic diseases. Last evaluated: 2024-10-14. Review status: criteria provided, single submitter. Criteria: Ambry Variant Classification Scheme 2023. Collection method: clinical testing. Allele origin: germline.
Comment: The p.F134L variant (also known as c.402T>A), located in coding exon 4 of the ATR gene, results from a T to A substitution at nucleotide position 402. The phenylalanine at codon 134 is replaced by leucine, an amino acid with highly similar properties. This amino acid position is conserved. In addition, this alteration is predicted to be tolerated by in silico analysis. Since supporting evidence is limited at this time, the clinical significance of this alteration remains unclear.

Labcorp Genetics (formerly Invitae), Labcorp
Classification: Uncertain significance. Last evaluated: 2023-06-14. Review status: criteria provided, single submitter. Criteria: Invitae Variant Classification Sherloc (09022015). Collection method: clinical testing. Allele origin: germline.
Comment: An algorithm developed to predict the effect of missense changes on protein structure and function (PolyPhen-2) suggests that this variant is likely to be tolerated. In summary, the available evidence is currently insufficient to determine the role of this variant in disease. Therefore, it has been classified as a Variant of Uncertain Significance. ClinVar contains an entry for this variant (Variation ID: 1737192). This variant has not been reported in the literature in individuals affected with ATR-related conditions. This variant is present in population databases (no rsID available, gnomAD 0.0009%). This sequence change replaces phenylalanine, which is neutral and non-polar, with leucine, which is neutral and non-polar, at codon 134 of the ATR protein (p.Phe134Leu).